The following is an entry in ClinVar:

NM_022047.4(DEF6):c.25A>C (p.Lys9Gln)

Gene: DEF6 (DEF6 guanine nucleotide exchange factor; plus strand). Cytogenetic location: 6p21.31.
Variant type: single nucleotide variant.
Coding change: c.25A>C on transcript NM_022047.4 (MANE Select); coding-DNA position 25, A replaced by C.
Protein change: p.Lys9Gln; replaces lysine 9 with glutamine.
Molecular consequence: missense variant.
Genome position (GRCh38, 1-based): chr6:35,297,881, A>C. VCF-style: chr6-35297881-A-C. GRCh37 (hg19) VCF-style: chr6-35265658-A-C.
Other names: short protein forms K9Q.
Identifiers: ClinVar variation 4719235 (VCV004719235.1).

ClinVar aggregate classification (germline): Uncertain significance (1 of 4 stars; one submission).

gnomAD v4.1: 1 of 1,606,832 alleles (0.000062%); highest among the groups gnomAD compares: Non-Finnish European, 0.000085%; no homozygotes.

Submission:

Labcorp Genetics (formerly Invitae), Labcorp
Classification: Uncertain significance. Last evaluated: 2025-05-18. Review status: criteria provided, single submitter. Criteria: Invitae Variant Classification Sherloc (09022015). Collection method: clinical testing. Allele origin: germline.
Comment: This sequence change replaces lysine, which is basic and polar, with glutamine, which is neutral and polar, at codon 9 of the DEF6 protein (p.Lys9Gln). This variant is not present in population databases (gnomAD no frequency). This variant has not been reported in the literature in individuals affected with DEF6-related conditions. An algorithm developed to predict the effect of missense changes on protein structure and function (PolyPhen-2) suggests that this variant is likely to be disruptive. In summary, the available evidence is currently insufficient to determine the role of this variant in disease. Therefore, it has been classified as a Variant of Uncertain Significance.